The following is an entry in ClinVar:

ClinVar aggregate classification (germline): Conflicting classifications of pathogenicity. Review status: criteria provided, conflicting classifications (1 of 4 stars). 6 submissions from 5 submitters: Uncertain significance (3); Likely benign (2). 1 of the submissions does not count toward it. Last evaluated 2026-01-24.

Conditions:
Transitory neonatal diabetes mellitus. Also called: Transient neonatal diabetes mellitus. Identifiers: MedGen C0342273, MONDO:0020525, HP:0008255.
Maturity-onset diabetes of the young (MODY). Also called: Maturity onset diabetes mellitus in young. Identifiers: Orphanet 552, MedGen C0342276, MONDO:0018911, HP:0004904.
Hereditary hyperinsulinism.

Allele frequency attached by ClinVar (database versions not stated): gnomAD exomes 0.00016; ExAC 0.00018; 1000 Genomes Project 30x 0.00031; 1000 Genomes Project 0.00040; TOPMed 0.00084; gnomAD 0.00090 and 0.00098; ESP Exome Variant Server 0.00092.
gnomAD v4.1: 215 of 1,613,036 alleles (0.013%); highest among the groups gnomAD compares: African/African-American, 0.26%; 1 homozygote.

Submissions (6):

Labcorp Genetics (formerly Invitae), Labcorp
Classification: Likely benign. Last evaluated: 2026-01-24. Review status: criteria provided, single submitter. Criteria: Invitae Variant Classification Sherloc (09022015). Collection method: clinical testing. Allele origin: germline.

Women's Health and Genetics/Laboratory Corporation of America, LabCorp
Classification: Likely benign. Last evaluated: 2023-12-21. Review status: criteria provided, single submitter. Criteria: LabCorp Variant Classification Summary - May 2015. Collection method: clinical testing. Allele origin: germline.
Comment: Variant summary: ABCC8 c.1630+10C>T alters a non-conserved nucleotide located at a position not widely known to affect splicing. Consensus agreement among computation tools predict no significant impact on normal splicing. However, these predictions have yet to be confirmed by functional studies. The variant allele was found at a frequency of 0.00016 in 251224 control chromosomes. This frequency is not significantly higher than estimated for a pathogenic variant in ABCC8 causing Congenital Hyperinsulinism (0.00016 vs 0.0034), allowing no conclusion about variant significance. To our knowledge, no occurrence of c.1630+10C>T in individuals affected with Congenital Hyperinsulinism and no experimental evidence demonstrating its impact on protein function have been reported. Three submitters have cited clinical-significance assessments for this variant to ClinVar after 2014 (VUS, n=2; Likely benign: n=1). Based on the evidence outlined above, the variant was classified as likely benign.

Athena Diagnostics
Classification: Uncertain significance. Last evaluated: 2017-04-05. Review status: criteria provided, single submitter. Criteria: Athena Diagnostics Criteria. Collection method: clinical testing. Allele origin: germline.

Clinical Genomics, Uppaluri K&H Personalized Medicine Clinic
Classification: Uncertain significance for Maturity-onset diabetes of the young. Review status: criteria provided, single submitter. Criteria: K & H Uppaluri Personalized Medicine Clinic Variant Classification & Assertion Criteria_Updated V.1. Collection method: research. Allele origin: unknown. Inheritance: Somatic mutation.
Comment: Mutations in ABCC8 gene are associated with both neonatal diabetes mellitus as well as MODY. Patients with this mutation may have a better response to sulfonylureas. However, no sufficient evidence is found to ascertain the role of this particular variant (rs188075767) in MODY yet.

Clinical Genomics, Uppaluri K&H Personalized Medicine Clinic
Classification: Uncertain significance for Transitory neonatal diabetes mellitus. Review status: criteria provided, single submitter. Criteria: K & H Uppaluri Personalized Medicine Clinic Variant Classification & Assertion Criteria_Updated V.1. Collection method: research. Allele origin: unknown. Inheritance: Somatic mutation.
Comment: Mutations in ABCC8 gene are associated with both neonatal diabetes mellitus as well as MODY. Patients with this mutation may have a better response to sulfonylureas. However, no sufficient evidence is found to ascertain the role of this particular variant (rs188075767) in neonatal diabetes yet.

Natera, Inc.
Classification: Uncertain significance for Hereditary hyperinsulinism. Last evaluated: 2020-01-24. Review status: no assertion criteria provided. Collection method: clinical testing. Allele origin: germline. Not counted in ClinVar's aggregate classification.

Literature cited by the submitters: PubMed 16885549 (cited by Clinical Genomics, Uppaluri K&H Personalized Medicine Clinic); PubMed 21989597 (cited by Clinical Genomics, Uppaluri K&H Personalized Medicine Clinic); PubMed 27538677 (cited by Clinical Genomics, Uppaluri K&H Personalized Medicine Clinic); PubMed 18981553 (cited by Clinical Genomics, Uppaluri K&H Personalized Medicine Clinic); PubMed 32027066 (cited by Clinical Genomics, Uppaluri K&H Personalized Medicine Clinic); PubMed 16613899 (cited by Clinical Genomics, Uppaluri K&H Personalized Medicine Clinic); PubMed 18025408 (cited by Clinical Genomics, Uppaluri K&H Personalized Medicine Clinic); PubMed 32792356 (cited by Clinical Genomics, Uppaluri K&H Personalized Medicine Clinic).

NM_000352.6(ABCC8):c.1630+10C>T

Gene: ABCC8 (ATP binding cassette subfamily C member 8; minus strand). Cytogenetic location: 11p15.1.
Variant type: single nucleotide variant.
Coding change: c.1630+10C>T on transcript NM_000352.6 (MANE Select); 10 bases into the intron after coding-DNA position 1630, C replaced by T.
Molecular consequence: intron variant.
Genome position (GRCh38, 1-based): chr11:17,442,710, G>A on the plus strand (C>T on the coding strand, the complement: ABCC8 is on the minus strand). VCF-style: chr11-17442710-G-A. GRCh37 (hg19) VCF-style: chr11-17464257-G-A.
Other names: c.1627+10C>T (NM_001351297.2, NM_001351296.2); c.1630+10C>T (NM_001351295.2, NM_001287174.3).
Identifiers: ClinVar variation 446764 (VCV000446764.15), dbSNP rs188075767, ClinGen allele CA5903510.
Genomic context (GRCh38, chr11:17,442,710, plus strand): 5'-CCGAGCTCTGACACCCTCTCCTTGCATGTACGCAGCAGCACCCAGGGCTGGCTGTGTGGG[G>A]TGAACTCACTGGAGATGGAGGTATAGATGGCAAAGGCCCTGAGGCTGGTCATCTCCTTCC-3'